The following is an entry in ClinVar:

ClinVar aggregate classification (germline): Likely benign. Review status: criteria provided, multiple submitters, no conflicts (2 of 4 stars). 3 submissions from 3 submitters: Likely benign (3). Last evaluated 2026-08-01.

Allele frequency attached by ClinVar (database versions not stated): ExAC 0.00102; gnomAD exomes 0.00106 and 0.00173; 1000 Genomes Project 0.00120; gnomAD 0.00121 and 0.00128; TOPMed 0.00125; ESP Exome Variant Server 0.00154; 1000 Genomes Project 30x 0.00156.
gnomAD v4.1: 2,704 of 1,609,996 alleles (0.17%); highest among the groups gnomAD compares: Non-Finnish European, 0.2%; 1 homozygote.

Submissions (3):

CeGaT Center for Human Genetics Tuebingen
Classification: Likely benign. Last evaluated: 2026-08-01. Review status: criteria provided, single submitter. Criteria: CeGaT Center For Human Genetics Tuebingen Variant Classification Criteria Version 2. Collection method: clinical testing. Allele origin: germline. Affected: yes. Observed: 2 variant alleles.
Comment: IRF5: BP4, BP7

Labcorp Genetics (formerly Invitae), Labcorp
Classification: Likely benign. Last evaluated: 2018-08-02. Review status: criteria provided, single submitter. Criteria: Invitae Variant Classification Sherloc (09022015). Collection method: clinical testing. Allele origin: germline.

Breakthrough Genomics
Classification: Likely benign. Review status: criteria provided, single submitter. Criteria: ACMG Guidelines, 2015. Collection method: not provided. Allele origin: germline. Inheritance: Unknown mechanism. Affected: yes.

NM_001098629.3(IRF5):c.354C>T (p.Tyr118=)

Gene: IRF5 (interferon regulatory factor 5; plus strand). Cytogenetic location: 7q32.1.
Variant type: single nucleotide variant.
Coding change: c.354C>T on transcript NM_001098629.3 (MANE Select); coding-DNA position 354, C replaced by T.
Protein change: p.Tyr118=; no amino-acid change (tyrosine 118 retained).
Molecular consequence: synonymous variant.
Genome position (GRCh38, 1-based): chr7:128,946,003, C>T. VCF-style: chr7-128946003-C-T. GRCh37 (hg19) VCF-style: chr7-128586057-C-T.
Other names: c.354C>T, p.Tyr118= (NM_001098627.4, NM_001098630.3, NM_001242452.3 and 3 more transcripts).
Identifiers: ClinVar variation 717681 (VCV000717681.5), dbSNP rs139688977, ClinGen allele CA4477467.
Genomic context (GRCh38, chr7:128,946,003, plus strand): 5'-GGACTTCCGCCTCATCTACGACGGGCCCCGGGACATGCCACCTCAGCCCTACAAGATCTA[C>T]GAGGTCTGCTCCAATGGCCCTGCTCCCACAGGTATCAGGCCTAGCCCTCTGTGGGCCACC-3'
Protein context (NP_001092099.1, residues 108-128): RDMPPQPYKI[Tyr118=]EVCSNGPAPT